The following is an entry in ClinVar:

ClinVar aggregate classification (germline): Likely benign (1 of 4 stars; one submission).

gnomAD v4.1: 36 of 293,714 alleles (0.012%); highest among the groups gnomAD compares: South Asian, 0.031%; no homozygotes.

Submission:

CeGaT Center for Human Genetics Tuebingen
Classification: Likely benign. Last evaluated: 2025-07-01. Review status: criteria provided, single submitter. Criteria: CeGaT Center For Human Genetics Tuebingen Variant Classification Criteria Version 2. Collection method: clinical testing. Allele origin: germline. Affected: yes. Observed: 1 variant allele.
Comment: TRIO: BP4, BP7

NM_007118.4(TRIO):c.6909C>T (p.Gly2303=)

Gene: TRIO (trio Rho guanine nucleotide exchange factor; plus strand). Cytogenetic location: 5p15.2.
Variant type: single nucleotide variant.
Coding change: c.6909C>T on transcript NM_007118.4 (MANE Select); coding-DNA position 6909, C replaced by T.
Protein change: p.Gly2303=; no amino-acid change (glycine 2303 retained).
Molecular consequence: synonymous variant. On other transcripts: non-coding transcript variant (1).
Genome position (GRCh38, 1-based): chr5:14,487,537, C>T. VCF-style: chr5-14487537-C-T. GRCh37 (hg19) VCF-style: chr5-14487646-C-T.
Identifiers: ClinVar variation 4083787 (VCV004083787.8).